The following is an entry in ClinVar:

ClinVar aggregate classification (germline): Uncertain significance (1 of 4 stars; one submission).

Conditions:
Atrial fibrillation, familial, 7 (ATFB7). Identifiers: MedGen C2677106, MONDO:0012828, OMIM 612240.

Submission:

Labcorp Genetics (formerly Invitae), Labcorp
Classification: Uncertain significance for Atrial fibrillation, familial, 7. Last evaluated: 2023-12-30. Review status: criteria provided, single submitter. Criteria: Invitae Variant Classification Sherloc (09022015). Collection method: clinical testing. Allele origin: germline.
Comment: This sequence change replaces glycine, which is neutral and non-polar, with glutamic acid, which is acidic and polar, at codon 32 of the KCNA5 protein (p.Gly32Glu). This variant is not present in population databases (gnomAD no frequency). This variant has not been reported in the literature in individuals affected with KCNA5-related conditions. ClinVar contains an entry for this variant (Variation ID: 1919830). Algorithms developed to predict the effect of missense changes on protein structure and function output the following: SIFT: "Not Available"; PolyPhen-2: "Benign"; Align-GVGD: "Not Available". The glutamic acid amino acid residue is found in multiple mammalian species, which suggests that this missense change does not adversely affect protein function. In summary, the available evidence is currently insufficient to determine the role of this variant in disease. Therefore, it has been classified as a Variant of Uncertain Significance.

NM_002234.4(KCNA5):c.95G>A (p.Gly32Glu)

Gene: KCNA5 (potassium voltage-gated channel subfamily A member 5; plus strand). Cytogenetic location: 12p13.32.
Variant type: single nucleotide variant.
Coding change: c.95G>A on transcript NM_002234.4 (MANE Select); coding-DNA position 95, G replaced by A.
Protein change: p.Gly32Glu; replaces glycine 32 with glutamic acid.
Molecular consequence: missense variant.
Genome position (GRCh38, 1-based): chr12:5,044,242, G>A. VCF-style: chr12-5044242-G-A. GRCh37 (hg19) VCF-style: chr12-5153408-G-A.
Other names: short protein forms G32E.
Identifiers: ClinVar variation 1919830 (VCV001919830.5), dbSNP rs1276178718, ClinGen allele CA383461884.